The following is an entry in ClinVar:

NM_006267.5(RANBP2):c.1957A>G (p.Thr653Ala)

Gene: RANBP2 (RAN binding protein 2; plus strand). Cytogenetic location: 2q13.
Variant type: single nucleotide variant.
Coding change: c.1957A>G on transcript NM_006267.5 (MANE Select); coding-DNA position 1957, A replaced by G.
Protein change: p.Thr653Ala; replaces threonine 653 with alanine.
Molecular consequence: missense variant.
Genome position (GRCh38, 1-based): chr2:108,753,465, A>G. VCF-style: chr2-108753465-A-G. GRCh37 (hg19) VCF-style: chr2-109369921-A-G.
Other names: short protein forms T653A.
Identifiers: ClinVar variation 650559 (VCV000650559.12), dbSNP rs149578420, ClinGen allele CA1822496.

ClinVar aggregate classification (germline): Conflicting classifications of pathogenicity. Review status: criteria provided, conflicting classifications (1 of 4 stars). 4 submissions from 4 submitters: Uncertain significance (3); Likely benign (1). Last evaluated 2026-02-01.

Conditions:
Familial acute necrotizing encephalopathy (IIAE3). Also called: Susceptibility to Acute Necrotizing Encephalopathy 1; ENCEPHALOPATHY, ACUTE, INFECTION-INDUCED, SUSCEPTIBILITY TO, 3. Identifiers: Orphanet 88619, MedGen C2675556, MONDO:0011953, OMIM 608033.

Allele frequency attached by ClinVar (database versions not stated): gnomAD exomes 0.00015 and 0.00017; 1000 Genomes Project 30x 0.00016; ExAC 0.00018; gnomAD 0.00018 and 0.00019; 1000 Genomes Project 0.00020; TOPMed 0.00021; ESP Exome Variant Server 0.00024.
gnomAD v4.1: 278 of 1,611,890 alleles (0.017%); highest among the groups gnomAD compares: Middle Eastern, 0.34%; 2 homozygotes.

Submissions (4):

Labcorp Genetics (formerly Invitae), Labcorp
Classification: Uncertain significance for Familial acute necrotizing encephalopathy. Last evaluated: 2026-02-01. Review status: criteria provided, single submitter. Criteria: Invitae Variant Classification Sherloc (09022015). Collection method: clinical testing. Allele origin: germline.
Comment: This sequence change replaces threonine, which is neutral and polar, with alanine, which is neutral and non-polar, at codon 653 of the RANBP2 protein (p.Thr653Ala). This variant is present in population databases (rs149578420, gnomAD 0.03%), and has an allele count higher than expected for a pathogenic variant. This variant has not been reported in the literature in individuals affected with RANBP2-related conditions. ClinVar contains an entry for this variant (Variation ID: 650559). An algorithm developed to predict the effect of missense changes on protein structure and function outputs the following: PolyPhen-2: "Benign". The alanine amino acid residue is found in multiple mammalian species, which suggests that this missense change does not adversely affect protein function. In summary, the available evidence is currently insufficient to determine the role of this variant in disease. Therefore, it has been classified as a Variant of Uncertain Significance.

Blueprint Genetics
Classification: Likely benign. Last evaluated: 2024-11-19. Review status: criteria provided, single submitter. Criteria: ACMG Guidelines, 2015. Collection method: clinical testing. Allele origin: germline.

Fulgent Genetics
Classification: Uncertain significance for Familial acute necrotizing encephalopathy. Last evaluated: 2021-08-09. Review status: criteria provided, single submitter. Criteria: ACMG Guidelines, 2015. Collection method: clinical testing. Allele origin: unknown.

Breakthrough Genomics
Classification: Uncertain significance. Review status: criteria provided, single submitter. Criteria: ACMG Guidelines, 2015. Collection method: not provided. Allele origin: germline. Inheritance: Autosomal dominant inheritance. Affected: yes.